The following is an entry in ClinVar:

NM_002227.4(JAK1):c.926A>C (p.Asn309Thr)

Gene: JAK1 (Janus kinase 1; minus strand). Cytogenetic location: 1p31.3.
Variant type: single nucleotide variant.
Coding change: c.926A>C on transcript NM_002227.4 (MANE Select); coding-DNA position 926, A replaced by C.
Protein change: p.Asn309Thr; replaces asparagine 309 with threonine.
Molecular consequence: missense variant.
Genome position (GRCh38, 1-based): chr1:64,866,930, T>G on the plus strand (A>C on the coding strand, the complement: JAK1 is on the minus strand). VCF-style: chr1-64866930-T-G. GRCh37 (hg19) VCF-style: chr1-65332613-T-G.
Other names: c.926A>C, p.Asn309Thr (NM_001320923.2, NM_001321852.2, NM_001321853.2 and 4 more transcripts); short protein forms N309T.
Identifiers: ClinVar variation 4716535 (VCV004716535.1).

ClinVar aggregate classification (germline): Uncertain significance (1 of 4 stars; one submission).

gnomAD v4.1: 1 of 1,614,246 alleles (0.000062%); highest among the groups gnomAD compares: Non-Finnish European, 0.000085%; no homozygotes.

Submission:

Labcorp Genetics (formerly Invitae), Labcorp
Classification: Uncertain significance. Last evaluated: 2025-07-25. Review status: criteria provided, single submitter. Criteria: Invitae Variant Classification Sherloc (09022015). Collection method: clinical testing. Allele origin: germline.
Comment: This sequence change replaces asparagine, which is neutral and polar, with threonine, which is neutral and polar, at codon 309 of the JAK1 protein (p.Asn309Thr). This variant is not present in population databases (gnomAD no frequency). This variant has not been reported in the literature in individuals affected with JAK1-related conditions. Invitae Evidence Modeling of protein sequence and biophysical properties (such as structural, functional, and spatial information, amino acid conservation, physicochemical variation, residue mobility, and thermodynamic stability) indicates that this missense variant is not expected to disrupt JAK1 protein function with a negative predictive value of 80%. In summary, the available evidence is currently insufficient to determine the role of this variant in disease. Therefore, it has been classified as a Variant of Uncertain Significance.